The following is an entry in ClinVar:

ClinVar aggregate classification (germline): Conflicting classifications of pathogenicity. Review status: criteria provided, conflicting classifications (1 of 4 stars). 3 submissions from 3 submitters: Uncertain significance (2); Likely benign (1). Last evaluated 2025-07-21.

Conditions:
Hereditary cancer-predisposing syndrome. Also called: Tumor predisposition; Hereditary neoplastic syndrome; Hereditary Cancer Syndrome; Neoplastic Syndromes, Hereditary. Identifiers: Orphanet 140162, MedGen C0027672, MeSH D009386, MONDO:0015356.
Hereditary breast ovarian cancer syndrome. Also called: BRCA1- and BRCA2-Associated Hereditary Breast and Ovarian Cancer; Hereditary breast and ovarian cancer; Hereditary breast and/or ovarian cancer syndrome; Hereditary breast and ovarian cancer syndrome; Hereditary breast and ovarian cancer syndrome (HBOC); Breast and ovarian cancer. Identifiers: Orphanet 145, MedGen C0677776, MeSH D061325, MONDO:0003582. Disease mechanism: loss of function.

Allele frequency attached by ClinVar (database versions not stated): gnomAD exomes below 0.00001; ExAC 0.00001.
gnomAD v4.1: 1 of 1,613,772 alleles (0.000062%); highest among the groups gnomAD compares: Non-Finnish European, 0.000085%; no homozygotes.

Submissions (3):

Labcorp Genetics (formerly Invitae), Labcorp
Classification: Uncertain significance for Hereditary breast ovarian cancer syndrome. Last evaluated: 2025-07-21. Review status: criteria provided, single submitter. Criteria: Invitae Variant Classification Sherloc (09022015). Collection method: clinical testing. Allele origin: germline.
Comment: This sequence change replaces cysteine, which is neutral and slightly polar, with tyrosine, which is neutral and polar, at codon 1948 of the BRCA2 protein (p.Cys1948Tyr). This variant is present in population databases (rs757148516, gnomAD 0.0009%). This variant has not been reported in the literature in individuals affected with BRCA2-related conditions. ClinVar contains an entry for this variant (Variation ID: 963968). Invitae Evidence Modeling of protein sequence and biophysical properties (such as structural, functional, and spatial information, amino acid conservation, physicochemical variation, residue mobility, and thermodynamic stability) indicates that this missense variant is not expected to disrupt BRCA2 protein function with a negative predictive value of 95%. In summary, the available evidence is currently insufficient to determine the role of this variant in disease. Therefore, it has been classified as a Variant of Uncertain Significance.

Ambry Genetics
Classification: Uncertain significance for Hereditary cancer-predisposing syndrome. Last evaluated: 2025-04-04. Review status: criteria provided, single submitter. Criteria: Ambry Variant Classification Scheme 2023. Collection method: clinical testing. Allele origin: germline.
Comment: The p.C1948Y variant (also known as c.5843G>A), located in coding exon 10 of the BRCA2 gene, results from a G to A substitution at nucleotide position 5843. The cysteine at codon 1948 is replaced by tyrosine, an amino acid with highly dissimilar properties. This amino acid position is not well conserved in available vertebrate species. In addition, this alteration is predicted to be tolerated by in silico analysis. Based on the available evidence, the clinical significance of this variant remains unclear.

University of Washington Department of Laboratory Medicine, University of Washington
Classification: Likely benign for Hereditary cancer-predisposing syndrome. Last evaluated: 2023-03-23. Review status: criteria provided, single submitter. Criteria: Dines et al. (Genet Med. 2020). Collection method: curation. Allele origin: germline.
Comment: Missense variant in a coldspot region where missense variants are very unlikely to be pathogenic (PMID:31911673).

BRCA2 exon 11 coldspot. Reclassification based on statistical prior probability.

NM_000059.4(BRCA2):c.5843G>A (p.Cys1948Tyr)

Gene: BRCA2 (BRCA2 DNA repair associated; plus strand). Cytogenetic location: 13q13.1.
Variant type: single nucleotide variant.
Coding change: c.5843G>A on transcript NM_000059.4 (MANE Select); coding-DNA position 5843, G replaced by A.
Protein change: p.Cys1948Tyr; replaces cysteine 1948 with tyrosine.
Molecular consequence: missense variant.
Genome position (GRCh38, 1-based): chr13:32,340,198, G>A. VCF-style: chr13-32340198-G-A. GRCh37 (hg19) VCF-style: chr13-32914335-G-A.
Other names: short protein forms C1948Y.
Identifiers: ClinVar variation 963968 (VCV000963968.12), dbSNP rs757148516, ClinGen allele CA6940906.